The following is an entry in ClinVar:

NM_005006.7(NDUFS1):c.1263-333A>G

Gene: NDUFS1 (NADH:ubiquinone oxidoreductase core subunit S1; minus strand). Cytogenetic location: 2q33.3.
Variant type: single nucleotide variant.
Coding change: c.1263-333A>G on transcript NM_005006.7 (MANE Select); 333 bases into the intron before coding-DNA position 1263, A replaced by G.
Molecular consequence: intron variant.
Genome position (GRCh38, 1-based): chr2:206,138,947, T>C on the plus strand (A>G on the coding strand, the complement: NDUFS1 is on the minus strand). VCF-style: chr2-206138947-T-C. GRCh37 (hg19) VCF-style: chr2-207003671-T-C.
Other names: c.930-333A>G (NM_001199982.2); c.1092-333A>G (NM_001199983.2); c.1155-333A>G (NM_001199981.2); c.1305-333A>G (NM_001199984.2).
Identifiers: ClinVar variation 669516 (VCV000669516.1), dbSNP rs151123273, ClinGen allele CA11263111.

ClinVar aggregate classification (germline): Benign (1 of 4 stars; one submission).

Allele frequency attached by ClinVar (database versions not stated): gnomAD 0.05859 and 0.06104; TOPMed 0.06155; 1000 Genomes Project 30x 0.07698; 1000 Genomes Project 0.08007.
gnomAD v4.1: 9,379 of 151,960 alleles (6.2%); highest among the groups gnomAD compares: East Asian, 17%; 374 homozygotes.

Submission:

GeneDx
Classification: Benign. Last evaluated: 2018-06-14. Review status: criteria provided, single submitter. Criteria: GeneDx Variant Classification (06012015). Collection method: clinical testing. Allele origin: germline. Affected: yes.
Comment: This variant is considered likely benign or benign based on one or more of the following criteria: it is a conservative change, it occurs at a poorly conserved position in the protein, it is predicted to be benign by multiple in silico algorithms, and/or has population frequency not consistent with disease.